The following is an entry in ClinVar:

NM_003850.3(SUCLA2):c.-3_-2del

Gene: SUCLA2 (succinate-CoA ligase ADP-forming subunit beta; minus strand). Cytogenetic location: 13q14.2.
Variant type: Deletion.
Coding change: c.-3_-2del on transcript NM_003850.3 (MANE Select); 3 bases upstream of the start codon through 2 bases upstream of the start codon, 2 bases deleted (GA; older notation c.-3_-2delGA).
Molecular consequence: 5 prime UTR variant.
Genome position (GRCh38, 1-based): chr13:48,001,271-48,001,272, TC deleted on the plus strand (GA on the coding strand, the reverse complement: SUCLA2 is on the minus strand); deleting any 2 consecutive bases within chr13:48,001,271-48,001,273 gives the same sequence; the c. name uses the placement nearest the transcript's 3' end. VCF-style (leftmost placement, unchanged base first): chr13-48001270-TTC-T. GRCh37 (hg19) VCF-style: chr13-48575406-TTC-T.
Other names: c.-3_-2delGA (NM_003850.2).
Identifiers: ClinVar variation 559325 (VCV000559325.12), dbSNP rs570547911, ClinGen allele CA6978137.

ClinVar aggregate classification (germline): Uncertain significance. Review status: criteria provided, multiple submitters, no conflicts (2 of 4 stars). 4 submissions from 4 submitters: Uncertain significance (2). 2 of the submissions do not count toward it. Last evaluated 2025-11-25.

Conditions:
SUCLA2-related disorder. Also called: SUCLA2-related condition.

Submissions (4):

GeneDx
Classification: Uncertain significance. Last evaluated: 2025-11-25. Review status: criteria provided, single submitter. Criteria: GeneDx Variant Classification Process June 2021. Collection method: clinical testing. Allele origin: germline. Affected: yes.
Comment: Has not been previously published as pathogenic or benign to our knowledge; Alters the Kozak sequence, which plays a major role in the initiation of translation

Athena Diagnostics
Classification: Uncertain significance. Last evaluated: 2024-09-30. Review status: criteria provided, single submitter. Criteria: Athena Diagnostics Criteria. Collection method: clinical testing. Allele origin: unknown.

PreventionGenetics, part of Exact Sciences
Classification: Likely benign for SUCLA2-related condition. Last evaluated: 2020-02-03. Review status: no assertion criteria provided. Collection method: clinical testing. Allele origin: germline. Not counted in ClinVar's aggregate classification.
Comment: This variant is classified as likely benign based on ACMG/AMP sequence variant interpretation guidelines (Richards et al. 2015 PMID: 25741868, with internal and published modifications).

Mayo Clinic Laboratories, Mayo Clinic
Classification: Likely benign. Last evaluated: 2016-02-29. Review status: no assertion criteria provided. Collection method: clinical testing. Allele origin: unknown. Not counted in ClinVar's aggregate classification.